The following is an entry in ClinVar:

NM_001081.4(CUBN):c.7968_7969delinsTGTTATACCTTATATAA (p.Leu2656_Pro2657delinsPheValIleProTyrIleThr)

Gene: CUBN (cubilin; minus strand). Cytogenetic location: 10p13.
Variant type: Indel.
Coding change: c.7968_7969delinsTGTTATACCTTATATAA on transcript NM_001081.4 (MANE Select); coding-DNA positions 7968 to 7969, GC replaced by TGTTATACCTTATATAA.
Protein change: p.Leu2656_Pro2657delinsPheValIleProTyrIleThr.
Molecular consequence: inframe indel.
Genome position (GRCh38, 1-based): chr10:16,904,059-16,904,060, GC replaced by TTATATAAGGTATAACA on the plus strand (GC replaced by TGTTATACCTTATATAA on the coding strand, the reverse complement: CUBN is on the minus strand). VCF-style: chr10-16904059-GC-TTATATAAGGTATAACA. GRCh37 (hg19) VCF-style: chr10-16946058-GC-TTATATAAGGTATAACA.
Other names: c.7968_7969delGCinsTGTTATACCTTATATAA (NM_001081.4).
Identifiers: ClinVar variation 1318858 (VCV001318858.5), dbSNP rs2131430377, ClinGen allele CA2573053258.

ClinVar aggregate classification (germline): Conflicting classifications of pathogenicity. Review status: criteria provided, conflicting classifications (1 of 4 stars). 3 submissions from 3 submitters: Likely pathogenic (1); Uncertain significance (1). 1 of the submissions does not count toward it. Last evaluated 2024-06-05.

Conditions:
Proteinuria. Identifiers: MedGen C0033687, MONDO:0003634, HP:0000093.
Proteinuria, chronic benign. Identifiers: MedGen C5394384, MONDO:0030042, OMIM 618884.
Imerslund-Grasbeck syndrome type 1 (IGS1). Also called: Megaloblastic anemia 1, Finnish type; MEGALOBLASTIC ANEMIA, 1; Imerslund-Gräsbeck syndrome 1. Identifiers: MedGen C4016819, MONDO:0100156, OMIM 261100.

Submissions (3):

Fulgent Genetics
Classification: Likely pathogenic for Imerslund-Grasbeck syndrome type 1; Proteinuria, chronic benign. Last evaluated: 2024-06-05. Review status: criteria provided, single submitter. Criteria: ACMG Guidelines, 2015. Collection method: clinical testing. Allele origin: germline.

GeneDx
Classification: Uncertain significance. Last evaluated: 2021-04-23. Review status: criteria provided, single submitter. Criteria: GeneDx Variant Classification Process June 2021. Collection method: clinical testing. Allele origin: germline. Affected: yes.
Comment: Not observed in large population cohorts (Lek et al., 2016); In-frame deletion of 2 amino acids and insertion of 7 amino acids in a non-repeat region; In silico analysis supports a deleterious effect on protein structure/function; This variant is associated with the following publications: (PMID: 30647093)

Molecular Biology Laboratory, Fundació Puigvert
Classification: Likely pathogenic for Proteinuria. Review status: no assertion criteria provided. Collection method: clinical testing. Allele origin: germline. Inheritance: Autosomal recessive inheritance. Affected: yes. Observed: 1 homozygote. Not counted in ClinVar's aggregate classification.

Literature cited by the submitters: PubMed 34610128 (cited by Molecular Biology Laboratory, Fundació Puigvert); PubMed 35642643 (cited by Molecular Biology Laboratory, Fundació Puigvert).